The following is an entry in ClinVar:

NM_004484.4(GPC3):c.1232G>T (p.Ser411Ile)

Gene: GPC3 (glypican 3; minus strand). Cytogenetic location: Xq26.2.
Variant type: single nucleotide variant.
Coding change: c.1232G>T on transcript NM_004484.4 (MANE Select); coding-DNA position 1232, G replaced by T.
Protein change: p.Ser411Ile; replaces serine 411 with isoleucine.
Molecular consequence: missense variant.
Genome position (GRCh38, 1-based): chrX:133,692,429, C>A on the plus strand (G>T on the coding strand, the complement: GPC3 is on the minus strand). VCF-style: chrX-133692429-C-A. GRCh37 (hg19) VCF-style: chrX-132826457-C-A.
Other names: c.1301G>T, p.Ser434Ile (NM_001164617.2); c.1184G>T, p.Ser395Ile (NM_001164618.2); c.1070G>T, p.Ser357Ile (NM_001164619.2); short protein forms S411I, S357I, S395I, S434I.
Identifiers: ClinVar variation 239935 (VCV000239935.41), dbSNP rs139206747, ClinGen allele CA10520701.

ClinVar aggregate classification (germline): Conflicting classifications of pathogenicity. Review status: criteria provided, conflicting classifications (1 of 4 stars). 7 submissions from 7 submitters: Uncertain significance (1); Benign (1); Likely benign (4). 1 of the submissions does not count toward it. Last evaluated 2026-03-03.

Conditions:
GPC3-related disorder. Also called: GPC3-related condition.
Inborn genetic diseases. Identifiers: MedGen C0950123, MeSH D030342.
Wilms tumor 1 (WT1). Also called: Wilms tumor, somatic. Identifiers: Orphanet 654, MedGen CN033288, MONDO:0008679, OMIM 194070.
Simpson-Golabi-Behmel syndrome type 1 (SGBS1). Also called: DYSPLASIA GIGANTISM SYNDROME, X-LINKED; GOLABI-ROSEN SYNDROME; GPC3-Related Simpson-Golabi-Behmel Syndrome Type 1; SIMPSON DYSMORPHIA SYNDROME; BULLDOG SYNDROME. Identifiers: Orphanet 373, MedGen C0796154, MONDO:0020602, OMIM 312870.

Allele frequency attached by ClinVar (database versions not stated): TOPMed 0.00005; ExAC 0.00006; gnomAD exomes 0.00007; ESP Exome Variant Server 0.00009; gnomAD 0.00009 and 0.00010.
gnomAD v4.1: 68 of 1,205,599 alleles (0.0056%); highest among the groups gnomAD compares: Non-Finnish European, 0.0073%; no homozygotes.

Submissions (7):

Dasa
Classification: Uncertain significance. Last evaluated: 2026-03-03. Review status: criteria provided, single submitter. Criteria: DASA Assertion Criteria. Collection method: clinical testing. Allele origin: germline.
Comment: NM_004484.4(GPC3):c.1232G>T (p.Ser411Ile) is a missense variant that results in the substitution of serine with isoleucine. Multiple computational predictions suggest no deleterious effect on the gene or gene product. The variant is present at low frequency in population datasets. Based on the available data, this variant is classified as variant of uncertain significance.

Labcorp Genetics (formerly Invitae), Labcorp
Classification: Benign for Wilms tumor 1. Last evaluated: 2025-11-10. Review status: criteria provided, single submitter. Criteria: Invitae Variant Classification Sherloc (09022015). Collection method: clinical testing. Allele origin: germline.

CeGaT Center for Human Genetics Tuebingen
Classification: Likely benign. Last evaluated: 2024-11-01. Review status: criteria provided, single submitter. Criteria: CeGaT Center For Human Genetics Tuebingen Variant Classification Criteria Version 2. Collection method: clinical testing. Allele origin: germline. Affected: yes. Observed: 4 variant alleles.
Comment: GPC3: BS2

Ambry Genetics
Classification: Likely benign for Inborn genetic diseases. Last evaluated: 2023-04-19. Review status: criteria provided, single submitter. Criteria: Ambry Variant Classification Scheme 2023. Collection method: clinical testing. Allele origin: germline.

Fulgent Genetics
Classification: Likely benign for Wilms tumor 1; Simpson-Golabi-Behmel syndrome type 1. Last evaluated: 2021-09-21. Review status: criteria provided, single submitter. Criteria: ACMG Guidelines, 2015. Collection method: clinical testing. Allele origin: unknown.

Blueprint Genetics
Classification: Likely benign. Last evaluated: 2019-02-13. Review status: criteria provided, single submitter. Criteria: ACMG Guidelines, 2015. Collection method: clinical testing. Allele origin: germline.

PreventionGenetics, part of Exact Sciences
Classification: Likely benign for GPC3-related condition. Last evaluated: 2020-12-01. Review status: no assertion criteria provided. Collection method: clinical testing. Allele origin: germline. Not counted in ClinVar's aggregate classification.
Comment: This variant is classified as likely benign based on ACMG/AMP sequence variant interpretation guidelines (Richards et al. 2015 PMID: 25741868, with internal and published modifications).